The following is an entry in ClinVar:

ClinVar aggregate classification (germline): Conflicting classifications of pathogenicity. Review status: criteria provided, conflicting classifications (1 of 4 stars). 2 submissions from 2 submitters: Uncertain significance (1); Likely benign (1). Last evaluated 2025-05-26.

Conditions:
Inborn genetic diseases. Identifiers: MedGen C0950123, MeSH D030342.

Allele frequency attached by ClinVar (database versions not stated): gnomAD exomes 0.00001; ExAC 0.00003; ESP Exome Variant Server 0.00008; TOPMed 0.00004; gnomAD 0.00005.
gnomAD v4.1: 24 of 1,613,942 alleles (0.0015%); highest among the groups gnomAD compares: Admixed American, 0.01%; no homozygotes.

Submissions (2):

Ambry Genetics
Classification: Likely benign for Inborn genetic diseases. Last evaluated: 2025-05-26. Review status: criteria provided, single submitter. Criteria: Ambry Variant Classification Scheme 2023. Collection method: clinical testing. Allele origin: germline.

Labcorp Genetics (formerly Invitae), Labcorp
Classification: Uncertain significance. Last evaluated: 2022-07-04. Review status: criteria provided, single submitter. Criteria: Invitae Variant Classification Sherloc (09022015). Collection method: clinical testing. Allele origin: germline.
Comment: This sequence change replaces arginine, which is basic and polar, with glutamine, which is neutral and polar, at codon 1501 of the LTBP2 protein (p.Arg1501Gln). This variant is present in population databases (rs373693540, gnomAD 0.02%). This variant has not been reported in the literature in individuals affected with LTBP2-related conditions. Algorithms developed to predict the effect of missense changes on protein structure and function output the following: SIFT: "Tolerated"; PolyPhen-2: "Benign"; Align-GVGD: "Class C0". The glutamine amino acid residue is found in multiple mammalian species, which suggests that this missense change does not adversely affect protein function. In summary, the available evidence is currently insufficient to determine the role of this variant in disease. Therefore, it has been classified as a Variant of Uncertain Significance.

NM_000428.3(LTBP2):c.4502G>A (p.Arg1501Gln)

Gene: LTBP2 (latent transforming growth factor beta binding protein 2; minus strand). Cytogenetic location: 14q24.3.
Variant type: single nucleotide variant.
Coding change: c.4502G>A on transcript NM_000428.3 (MANE Select); coding-DNA position 4502, G replaced by A.
Protein change: p.Arg1501Gln; replaces arginine 1501 with glutamine.
Molecular consequence: missense variant.
Genome position (GRCh38, 1-based): chr14:74,504,006, C>T on the plus strand (G>A on the coding strand, the complement: LTBP2 is on the minus strand). VCF-style: chr14-74504006-C-T. GRCh37 (hg19) VCF-style: chr14-74970709-C-T.
Other names: c.4502G>A (NM_000428.2); short protein forms R1501Q.
Identifiers: ClinVar variation 2174562 (VCV002174562.2), dbSNP rs373693540, ClinGen allele CA7268738.